The following is an entry in ClinVar:

ClinVar aggregate classification (germline): Pathogenic (1 of 4 stars; one submission).

Allele frequency attached by ClinVar (database versions not stated): gnomAD exomes below 0.00001.
gnomAD v4.1: 2 of 1,613,392 alleles (0.00012%); highest among the groups gnomAD compares: Non-Finnish European, 0.00017%; no homozygotes.

Submission:

Labcorp Genetics (formerly Invitae), Labcorp
Classification: Pathogenic. Last evaluated: 2022-09-12. Review status: criteria provided, single submitter. Criteria: Invitae Variant Classification Sherloc (09022015). Collection method: clinical testing. Allele origin: germline.
Comment: This sequence change creates a premature translational stop signal (p.Tyr999*) in the MYO7A gene. It is expected to result in an absent or disrupted protein product. Loss-of-function variants in MYO7A are known to be pathogenic (PMID: 8900236, 25404053). This variant is not present in population databases (gnomAD no frequency). This variant has not been reported in the literature in individuals affected with MYO7A-related conditions. ClinVar contains an entry for this variant (Variation ID: 1451772). For these reasons, this variant has been classified as Pathogenic.

Literature cited by the submitters: PubMed 8900236; PubMed 25404053.

NM_000260.4(MYO7A):c.2997T>A (p.Tyr999Ter)

Gene: MYO7A (myosin VIIA; plus strand). Cytogenetic location: 11q13.5.
Variant type: single nucleotide variant.
Coding change: c.2997T>A on transcript NM_000260.4 (MANE Select); coding-DNA position 2997, T replaced by A.
Protein change: p.Tyr999Ter; replaces tyrosine 999 with a stop codon.
Molecular consequence: nonsense.
Genome position (GRCh38, 1-based): chr11:77,182,043, T>A. VCF-style: chr11-77182043-T-A. GRCh37 (hg19) VCF-style: chr11-76893089-T-A.
Other names: c.2997T>A, p.Tyr999Ter (NM_001127180.2); c.2964T>A, p.Tyr988Ter (NM_001369365.1); short protein forms Y988*, Y999*.
Identifiers: ClinVar variation 1451772 (VCV001451772.6), dbSNP rs2135493809, ClinGen allele CA381944015.